The following is an entry in ClinVar:

ClinVar aggregate classification (germline): Conflicting classifications of pathogenicity. Review status: criteria provided, conflicting classifications (1 of 4 stars). 6 submissions from 6 submitters: Uncertain significance (5); Benign (1). Last evaluated 2026-01-14.

Conditions:
TSC2-related disorder. Also called: TSC2-Related Disorders; TSC2-related condition.
Isolated focal cortical dysplasia type II (FCORD2). Also called: CORTICAL DYSPLASIA OF TAYLOR; Focal cortical dysplasia type II. Identifiers: Orphanet 268994, MedGen C1846385, MONDO:0011818, OMIM 607341, HP:0032051.
Tuberous sclerosis 2 (TSC2). Identifiers: Orphanet 805, MedGen C1860707, MONDO:0013199, OMIM 613254.
Lymphangiomyomatosis (LAM). Also called: Lymphangioleiomyomatosis; Lymphangioleiomyomatosis, somatic. Identifiers: Orphanet 538, MedGen C0751674, MONDO:0011705, OMIM 606690.
Hereditary cancer-predisposing syndrome. Also called: Tumor predisposition; Hereditary neoplastic syndrome; Neoplastic Syndromes, Hereditary; Hereditary Cancer Syndrome. Identifiers: Orphanet 140162, MedGen C0027672, MeSH D009386, MONDO:0015356.
Tuberous sclerosis syndrome (TSC). Also called: Tuberous Sclerosis Complex; Tuberous sclerosis. Identifiers: Orphanet 805, MedGen C0041341, MONDO:0001734.

Allele frequency attached by ClinVar (database versions not stated): gnomAD exomes below 0.00001.
gnomAD v4.1: 3 of 1,613,832 alleles (0.00019%); highest among the groups gnomAD compares: South Asian, 0.0022%; no homozygotes.

Submissions (6):

Labcorp Genetics (formerly Invitae), Labcorp
Classification: Benign for Tuberous sclerosis 2. Last evaluated: 2026-01-14. Review status: criteria provided, single submitter. Criteria: Invitae Variant Classification Sherloc (09022015). Collection method: clinical testing. Allele origin: germline.

PreventionGenetics, part of Exact Sciences
Classification: Uncertain significance for TSC2-related condition. Last evaluated: 2025-08-10. Review status: criteria provided, single submitter. Criteria: ACMG Guidelines, 2015. Collection method: clinical testing. Allele origin: germline.
Comment: The TSC2 c.1513C>G variant is predicted to result in the amino acid substitution p.Arg505Gly. To our knowledge, this variant has not been reported in the literature or in a large population database (gnomAD), indicating this variant is rare. Two alternative substitutions affecting the same amino acid (p.Arg505Gln and p.Arg505Pro) have been reported in individuals with tuberous sclerosis or intellectual disability, however, functional data are inconsistent with a pathogenic effect (see example: Hoogeveen-Westerveld. 2013. PubMed ID: 22903760; Supplementary data, Luo. 2022. PubMed ID: 35870981; Dunlop. 2011. PubMed ID: 21407264; Peron. 2018. PubMed ID: 29432982). This variant could be benign. At this time, the clinical significance of this variant is uncertain due to the absence of conclusive functional and genetic evidence.

Ambry Genetics
Classification: Uncertain significance for Hereditary cancer-predisposing syndrome. Last evaluated: 2024-08-30. Review status: criteria provided, single submitter. Criteria: Ambry Variant Classification Scheme 2023. Collection method: clinical testing. Allele origin: germline.
Comment: The p.R505G variant (also known as c.1513C>G), located in coding exon 14 of the TSC2 gene, results from a C to G substitution at nucleotide position 1513. The arginine at codon 505 is replaced by glycine, an amino acid with dissimilar properties. This amino acid position is highly conserved in available vertebrate species. In addition, this alteration is predicted to be deleterious by in silico analysis. Since supporting evidence is limited at this time, the clinical significance of this alteration remains unclear.

Fulgent Genetics
Classification: Uncertain significance for Lymphangiomyomatosis; Isolated focal cortical dysplasia type II; Tuberous sclerosis 2. Last evaluated: 2024-05-18. Review status: criteria provided, single submitter. Criteria: ACMG Guidelines, 2015. Collection method: clinical testing. Allele origin: germline.

All of Us Research Program, National Institutes of Health
Classification: Uncertain significance for Tuberous sclerosis syndrome. Last evaluated: 2023-10-30. Review status: criteria provided, single submitter. Criteria: ACMG Guidelines, 2015. Collection method: clinical testing. Allele origin: germline. Inheritance: Autosomal dominant inheritance. Observed: 1 variant allele, 1 heterozygote.
Comment: This missense variant replaces arginine with glycine at codon 505 of the TSC2 protein. Computational prediction is inconclusive regarding the impact of this variant on protein structure and function (internally defined REVEL score threshold 0.5 < inconclusive < 0.7, PMID: 27666373). To our knowledge, functional studies have not been reported for this variant. This variant has not been reported in individuals affected with tuberous sclerosis complex in the literature. This variant has not been identified in the general population by the Genome Aggregation Database (gnomAD). The available evidence is insufficient to determine the role of this variant in disease conclusively. Therefore, this variant is classified as a Variant of Uncertain Significance.

This study involves interpretation of variants in research participants for the purpose of population health screening. Participant phenotype was not available at the time of variant classification. Additional details can be found in publication PMID: 35346344, PMCID: PMC8962531

Sema4
Classification: Uncertain significance for Hereditary cancer-predisposing syndrome. Last evaluated: 2021-10-28. Review status: criteria provided, single submitter. Criteria: Sema4 Curation Guidelines. Collection method: curation. Allele origin: germline.
Comment: The TSC2 c.1513C>G (p.R505G) variant has not been reported in the literature to our knowledge. It was not observed in the large and broad cohorts of the Genome Aggregation Database (PMID: 32461654). The variant has been reported in ClinVar (Variation ID 467878). Functional studies have not been performed, and in silico predictions of the variant's effect on protein function are inconclusive. The evidence is insufficient to meet ACMG/AMP criteria for classifying the variant as benign or pathogenic. Thus, the clinical significance of this variant is currently uncertain.

NM_000548.5(TSC2):c.1513C>G (p.Arg505Gly)

Gene: TSC2 (TSC complex subunit 2; plus strand). Cytogenetic location: 16p13.3.
Variant type: single nucleotide variant.
Coding change: c.1513C>G on transcript NM_000548.5 (MANE Select); coding-DNA position 1513, C replaced by G.
Protein change: p.Arg505Gly; replaces arginine 505 with glycine.
Molecular consequence: missense variant.
Genome position (GRCh38, 1-based): chr16:2,064,341, C>G. VCF-style: chr16-2064341-C-G. GRCh37 (hg19) VCF-style: chr16-2114342-C-G.
Other names: c.1513C>G (NM_000548.4); c.1513C>G, p.Arg505Gly (NM_001077183.3, NM_001114382.3, NM_001363528.2 and 3 more transcripts); c.1402C>G, p.Arg468Gly (NM_001318827.2); c.1366C>G, p.Arg456Gly (NM_001318829.2); c.913C>G, p.Arg305Gly (NM_001318831.2); c.1546C>G, p.Arg516Gly (NM_001318832.2); short protein forms R505G, R456G, R468G, R305G, R516G.
Identifiers: ClinVar variation 467878 (VCV000467878.19), dbSNP rs45517179, ClinGen allele CA394326162.